The following is an entry in ClinVar:

NM_138711.6(PPARG):c.285G>C (p.Lys95Asn)

Gene: PPARG (peroxisome proliferator activated receptor gamma; plus strand). Cytogenetic location: 3p25.2.
Variant type: single nucleotide variant.
Coding change: c.285G>C on transcript NM_138711.6 (MANE Select); coding-DNA position 285, G replaced by C.
Protein change: p.Lys95Asn; replaces lysine 95 with asparagine.
Molecular consequence: missense variant. On other transcripts: 5 prime UTR variant (1).
Genome position (GRCh38, 1-based): chr3:12,381,386, G>C. VCF-style: chr3-12381386-G-C. GRCh37 (hg19) VCF-style: chr3-12422885-G-C.
Other names: c.285G>C, p.Lys95Asn (NM_001330615.4, NM_001354666.3, NM_001354667.3 and 6 more transcripts); c.375G>C, p.Lys125Asn (NM_001354668.2, NM_001374265.1, NM_015869.5); c.-143G>C (NM_001354669.2); c.291G>C, p.Lys97Asn (NM_001354670.2, NM_001374266.1); short protein forms K125N, K95N, K97N.
Identifiers: ClinVar variation 4987943 (VCV004987943.1).

ClinVar aggregate classification (germline): Uncertain significance (1 of 4 stars; one submission).

Conditions:
PPARG-related disorder. Also called: PPARG-related condition; PPARG-related disorders.

Submission:

PreventionGenetics, part of Exact Sciences
Classification: Uncertain significance for PPARG-related condition. Last evaluated: 2026-07-08. Review status: criteria provided, single submitter. Criteria: ACMG Guidelines, 2015. Collection method: clinical testing. Allele origin: germline.
Comment: The PPARG c.375G>C variant is predicted to result in the amino acid substitution p.Lys125Asn. To our knowledge, this variant has not been reported in the literature or in a large population database (gnomAD), indicating this variant is rare. At this time, the clinical significance of this variant is uncertain due to the absence of conclusive functional and genetic evidence.